The following is an entry in ClinVar:

NM_006950.3(SYN1):c.1667G>T (p.Arg556Leu)

Gene: SYN1 (synapsin I; minus strand). Cytogenetic location: Xp11.3.
Variant type: single nucleotide variant.
Coding change: c.1667G>T on transcript NM_006950.3 (MANE Select); coding-DNA position 1667, G replaced by T.
Protein change: p.Arg556Leu; replaces arginine 556 with leucine.
Molecular consequence: missense variant.
Genome position (GRCh38, 1-based): chrX:47,574,317, C>A on the plus strand (G>T on the coding strand, the complement: SYN1 is on the minus strand). VCF-style: chrX-47574317-C-A. GRCh37 (hg19) VCF-style: chrX-47433716-C-A.
Other names: c.1667G>T, p.Arg556Leu (NM_133499.2); short protein forms R556L.
Identifiers: ClinVar variation 569374 (VCV000569374.10), dbSNP rs913197225, ClinGen allele CA412822959.

ClinVar aggregate classification (germline): Uncertain significance. Review status: criteria provided, multiple submitters, no conflicts (2 of 4 stars). 2 submissions from 2 submitters: Uncertain significance (2). Last evaluated 2023-05-16.

Conditions:
Epilepsy, X-linked 1, with variable learning disabilities and behavior disorders. Also called: X-linked epilepsy-learning disabilities-behavior disorders syndrome. Identifiers: Orphanet 85294, MedGen C5774177, MONDO:0010339, OMIM 300491.

Submissions (2):

GeneDx
Classification: Uncertain significance. Last evaluated: 2023-05-16. Review status: criteria provided, single submitter. Criteria: GeneDx Variant Classification Process June 2021. Collection method: clinical testing. Allele origin: germline. Affected: yes.
Comment: Not observed at significant frequency in large population cohorts (gnomAD); In silico analysis supports that this missense variant does not alter protein structure/function; Has not been previously published as pathogenic or benign to our knowledge

Labcorp Genetics (formerly Invitae), Labcorp
Classification: Uncertain significance for Epilepsy, X-linked 1, with variable learning disabilities and behavior disorders. Last evaluated: 2020-11-21. Review status: criteria provided, single submitter. Criteria: Invitae Variant Classification Sherloc (09022015). Collection method: clinical testing. Allele origin: germline.
Comment: In summary, the available evidence is currently insufficient to determine the role of this variant in disease. Therefore, it has been classified as a Variant of Uncertain Significance. Algorithms developed to predict the effect of missense changes on protein structure and function are either unavailable or do not agree on the potential impact of this missense change (SIFT: "Tolerated"; PolyPhen-2: "Not Available"; Align-GVGD: "Class C0"). This variant has not been reported in the literature in individuals with SYN1-related conditions. ClinVar contains an entry for this variant (Variation ID: 569374). The frequency data for this variant in the population databases is considered unreliable, as metrics indicate insufficient coverage at this position in the ExAC database. This sequence change replaces arginine with leucine at codon 556 of the SYN1 protein (p.Arg556Leu). The arginine residue is moderately conserved and there is a moderate physicochemical difference between arginine and leucine.